The following is an entry in ClinVar:

ClinVar aggregate classification (germline): Pathogenic (1 of 4 stars; one submission).

Submission:

Labcorp Genetics (formerly Invitae), Labcorp
Classification: Pathogenic. Last evaluated: 2020-06-13. Review status: criteria provided, single submitter. Criteria: Invitae Variant Classification Sherloc (09022015). Collection method: clinical testing. Allele origin: germline.
Comment: This variant results in a copy number gain of the genomic region encompassing exons 4-7 of the CNGB3 gene. While the exact position of this variant cannot be determined from this data, sub-genic copy number gains are generally in tandem (PMID: 25640679) and may result in an absent or disrupted protein product. Similar copy number gains of exons 4-7 have been observed in individual(s) with achromatopsia (PMID: 28795510). In at least one individual the data is consistent with the variant being in trans (on the opposite chromosome) from a pathogenic variant. Loss-of-function variants in CNGB3 are known to be pathogenic (PMID: 28795510). For these reasons, this variant has been classified as Pathogenic.

Literature cited by the submitters: PubMed 25640679; PubMed 28795510.

NC_000008.10:g.(?_87666240)_(87683326_?)dup

Gene: CNGB3 (cyclic nucleotide gated channel subunit beta 3; minus strand). Cytogenetic location: 8q21.3.
Variant type: Duplication.
Identifiers: ClinVar variation 1069006 (VCV001069006.1).